The following is an entry in ClinVar:

NM_004606.5(TAF1):c.5604C>G (p.Asp1868Glu)

Gene: TAF1 (TATA-box binding protein associated factor 1; plus strand). Cytogenetic location: Xq13.1.
Variant type: single nucleotide variant.
Coding change: c.5604C>G on transcript NM_004606.5 (MANE Select); coding-DNA position 5604, C replaced by G.
Protein change: p.Asp1868Glu; replaces aspartic acid 1868 with glutamic acid.
Molecular consequence: missense variant. On other transcripts: intron variant (3).
Genome position (GRCh38, 1-based): chrX:71,464,028, C>G. VCF-style: chrX-71464028-C-G. GRCh37 (hg19) VCF-style: chrX-70683878-C-G.
Other names: c.5610C>G, p.Asp1870Glu (NM_001286074.2); c.5541C>G, p.Asp1847Glu (NM_138923.4); c.5502-2240C>G (NM_001440852.1); c.5400-2240C>G (NM_001440853.1); c.5337-2240C>G (NM_001440854.1); short protein forms D1847E, D1868E, D1870E.
Identifiers: ClinVar variation 4179471 (VCV004179471.2).
Genomic context (GRCh38, chrX:71,464,028, plus strand): 5'-CCACCTGTCAGAGGACGAGGAGGACAGTGAGGATTTCCACTCCATTGCTGGGGACAGTGA[C>G]TTGGACTCTGATGAATGAGGCTTCCTTTGGGCCTCCTTGGTCAGCCTTCCCTGTTCTCCA-3'
Protein context (NP_004597.3, residues 1858-1873): EDFHSIAGDS[Asp1868Glu]LDSDE

ClinVar aggregate classification (germline): Uncertain significance. Review status: criteria provided, multiple submitters, no conflicts (2 of 4 stars). 2 submissions from 2 submitters: Uncertain significance (2). Last evaluated 2025-10-20.

Conditions:
Inborn genetic diseases. Identifiers: MedGen C0950123, MeSH D030342.

Submissions (2):

Labcorp Genetics (formerly Invitae), Labcorp
Classification: Uncertain significance. Last evaluated: 2025-10-20. Review status: criteria provided, single submitter. Criteria: Invitae Variant Classification Sherloc (09022015). Collection method: clinical testing. Allele origin: germline.
Comment: This sequence change replaces aspartic acid, which is acidic and polar, with glutamic acid, which is acidic and polar, at codon 1888 of the TAF1 protein (p.Asp1888Glu). This variant is not present in population databases (gnomAD no frequency). This variant has not been reported in the literature in individuals affected with TAF1-related conditions. An algorithm developed to predict the effect of missense changes on protein structure and function outputs the following: PolyPhen-2: "Probably Damaging". The glutamic acid amino acid residue is found in multiple mammalian species, which suggests that this missense change does not adversely affect protein function. Algorithms developed to predict the effect of sequence changes on RNA splicing suggest that this variant may create or strengthen a splice site. In summary, the available evidence is currently insufficient to determine the role of this variant in disease. Therefore, it has been classified as a Variant of Uncertain Significance.

Ambry Genetics
Classification: Uncertain significance for Inborn genetic diseases. Last evaluated: 2025-08-20. Review status: criteria provided, single submitter. Criteria: Ambry Variant Classification Scheme 2023. Collection method: clinical testing. Allele origin: germline.